The following is an entry in ClinVar:

NM_020708.5(SLC12A5):c.2911-3C>T

Gene: SLC12A5 (solute carrier family 12 member 5; plus strand). Cytogenetic location: 20q13.12.
Variant type: single nucleotide variant.
Coding change: c.2911-3C>T on transcript NM_020708.5 (MANE Select); 3 bases into the intron before coding-DNA position 2911, C replaced by T.
Molecular consequence: intron variant.
Genome position (GRCh38, 1-based): chr20:46,056,362, C>T. VCF-style: chr20-46056362-C-T. GRCh37 (hg19) VCF-style: chr20-44685001-C-T.
Other names: c.2980-3C>T (NM_001134771.2).
Identifiers: ClinVar variation 1004946 (VCV001004946.6), dbSNP rs2084693738, ClinGen allele CA2366499573.

ClinVar aggregate classification (germline): Uncertain significance (1 of 4 stars; one submission).

Conditions:
Developmental and epileptic encephalopathy, 34 (DEE34). Also called: SLC12A5-Related Epilepsy of Infancy with Migrating Focal Seizures; Early infantile epileptic encephalopathy 34. Identifiers: Orphanet 293181, MedGen C4225257, MONDO:0014718, OMIM 616645.

Allele frequency attached by ClinVar (database versions not stated): gnomAD exomes below 0.00001.
gnomAD v4.1: 2 of 1,609,400 alleles (0.00012%); highest among the groups gnomAD compares: Admixed American, 0.0033%; no homozygotes.

Submission:

Labcorp Genetics (formerly Invitae), Labcorp
Classification: Uncertain significance for Developmental and epileptic encephalopathy, 34. Last evaluated: 2021-08-31. Review status: criteria provided, single submitter. Criteria: Invitae Variant Classification Sherloc (09022015). Collection method: clinical testing. Allele origin: germline.
Comment: This sequence change falls in intron 22 of the SLC12A5 gene. It does not directly change the encoded amino acid sequence of the SLC12A5 protein. It affects a nucleotide within the consensus splice site of the intron. This variant is not present in population databases (ExAC no frequency). This variant has not been reported in the literature in individuals affected with SLC12A5-related conditions. Variants that disrupt the consensus splice site are a relatively common cause of aberrant splicing (PMID: 17576681, 9536098). Algorithms developed to predict the effect of sequence changes on RNA splicing suggest that this variant is not likely to affect RNA splicing. In summary, the available evidence is currently insufficient to determine the role of this variant in disease. Therefore, it has been classified as a Variant of Uncertain Significance.

Literature cited by the submitters: PubMed 17576681; PubMed 9536098.